The following is an entry in ClinVar:

ClinVar aggregate classification (germline): Benign/Likely benign. Review status: criteria provided, multiple submitters, no conflicts (2 of 4 stars). 2 submissions from 2 submitters: Benign (1); Likely benign (1). Last evaluated 2024-03-28.

Conditions:
Hereditary cancer-predisposing syndrome. Also called: Hereditary Cancer Syndrome; Neoplastic Syndromes, Hereditary; Tumor predisposition; Hereditary neoplastic syndrome. Identifiers: Orphanet 140162, MedGen C0027672, MeSH D009386, MONDO:0015356.
Familial adenomatous polyposis 1 (FAP1). Also called: FAMILIAL ADENOMATOUS POLYPOSIS 1, ATTENUATED; POLYPOSIS, ADENOMATOUS INTESTINAL. Identifiers: MedGen C2713442, MONDO:0021056, OMIM 175100. Disease mechanism: loss of function.

Submissions (2):

Myriad Genetics, Inc.
Classification: Benign for Familial adenomatous polyposis 1. Last evaluated: 2024-03-28. Review status: criteria provided, single submitter. Criteria: Myriad Autosomal Dominant, Autosomal Recessive and X-Linked Classification Criteria (2023). Collection method: clinical testing. Allele origin: unknown.
Comment: This variant is considered benign. This variant is a silent/synonymous amino acid change and it is not expected to impact splicing.

Ambry Genetics
Classification: Likely benign for Hereditary cancer-predisposing syndrome. Last evaluated: 2021-07-31. Review status: criteria provided, single submitter. Criteria: Ambry Variant Classification Scheme 2023. Collection method: clinical testing. Allele origin: germline.

NM_000038.6(APC):c.5100T>C (p.Ala1700=)

Gene: APC (APC regulator of Wnt signaling pathway; plus strand). Cytogenetic location: 5q22.2.
Variant type: single nucleotide variant.
Coding change: c.5100T>C on transcript NM_000038.6 (MANE Select); coding-DNA position 5100, T replaced by C.
Protein change: p.Ala1700=; no amino-acid change (alanine 1700 retained).
Molecular consequence: synonymous variant. On other transcripts: non-coding transcript variant (2).
Genome position (GRCh38, 1-based): chr5:112,840,694, T>C. VCF-style: chr5-112840694-T-C. GRCh37 (hg19) VCF-style: chr5-112176391-T-C.
Other names: c.5100T>C, p.Ala1700= (NM_001127510.3, NM_001354895.2, NM_001407450.1); c.5046T>C, p.Ala1682= (NM_001127511.3); c.5154T>C, p.Ala1718= (NM_001354896.2, NM_001407447.1, NM_001407448.1 and 1 more transcripts); c.5130T>C, p.Ala1710= (NM_001354897.2); c.5025T>C, p.Ala1675= (NM_001354898.2); c.5016T>C, p.Ala1672= (NM_001354899.2); c.4977T>C, p.Ala1659= (NM_001354900.2); c.4923T>C, p.Ala1641= (NM_001354901.2, NM_001407453.1); and 11 more.
Identifiers: ClinVar variation 1745356 (VCV001745356.2), dbSNP rs2149932007, ClinGen allele CA446209575.